The following is an entry in ClinVar:

ClinVar aggregate classification (germline): Pathogenic (1 of 4 stars; one submission).

Submission:

Labcorp Genetics (formerly Invitae), Labcorp
Classification: Pathogenic. Last evaluated: 2023-10-02. Review status: criteria provided, single submitter. Criteria: Invitae Variant Classification Sherloc (09022015). Collection method: clinical testing. Allele origin: unknown.
Comment: This variant results in the deletion of exons 1-15 and part of exon 16 (c.-1593_2196delinsTCTCCCTCC) of the NPHS1 gene. It is expected to result in an absent or disrupted protein product. Loss-of-function variants in NPHS1 are known to be pathogenic (PMID: 11317351, 11854170, 12039988). This variant has not been reported in the literature in individuals affected with NPHS1-related conditions. For these reasons, this variant has been classified as Pathogenic.

Literature cited by the submitters: PubMed 11317351; PubMed 11854170; PubMed 12039988.

NC_000019.9:g.(?_36335021)_(36344332_?)del

Gene: NPHS1 (NPHS1 adhesion molecule, nephrin; minus strand). Cytogenetic location: 19q13.12.
Variant type: Deletion.
Identifiers: ClinVar variation 3242680 (VCV003242680.1).